The following is an entry in ClinVar:

ClinVar aggregate classification (germline): Uncertain significance (1 of 4 stars; one submission).

Submission:

Labcorp Genetics (formerly Invitae), Labcorp
Classification: Uncertain significance. Last evaluated: 2024-05-13. Review status: criteria provided, single submitter. Criteria: Invitae Variant Classification Sherloc (09022015). Collection method: clinical testing. Allele origin: germline.
Comment: This sequence change replaces glycine, which is neutral and non-polar, with serine, which is neutral and polar, at codon 143 of the P4HB protein (p.Gly143Ser). This variant is not present in population databases (gnomAD no frequency). This variant has not been reported in the literature in individuals affected with P4HB-related conditions. Advanced modeling of protein sequence and biophysical properties (such as structural, functional, and spatial information, amino acid conservation, physicochemical variation, residue mobility, and thermodynamic stability) performed at Invitae indicates that this missense variant is not expected to disrupt P4HB protein function with a negative predictive value of 80%. In summary, the available evidence is currently insufficient to determine the role of this variant in disease. Therefore, it has been classified as a Variant of Uncertain Significance.

NM_000918.4(P4HB):c.427G>A (p.Gly143Ser)

Gene: P4HB (prolyl 4-hydroxylase subunit beta; minus strand). Cytogenetic location: 17q25.3.
Variant type: single nucleotide variant.
Coding change: c.427G>A on transcript NM_000918.4 (MANE Select); coding-DNA position 427, G replaced by A.
Protein change: p.Gly143Ser; replaces glycine 143 with serine.
Molecular consequence: missense variant.
Genome position (GRCh38, 1-based): chr17:81,855,512, C>T on the plus strand (G>A on the coding strand, the complement: P4HB is on the minus strand). VCF-style: chr17-81855512-C-T. GRCh37 (hg19) VCF-style: chr17-79813388-C-T.
Other names: short protein forms G143S.
Identifiers: ClinVar variation 3623036 (VCV003623036.2).
Genomic context (GRCh38, chr17:81,855,512, plus strand): 5'-CCTTGAAGAAGCCGATGACAGCCACCTCGCTGGACTCCACCAAGGACTCTGCAGCTGCGC[C>T]GTCAGGCAGGGTGGTGGCAGCCGGGCCCGTGCGCTTCTTCAGCCAGTTCACGATGTCATC-3'
Protein context (NP_000909.2, residues 133-153): TGPAATTLPD[Gly143Ser]AAAESLVESS